The following is an entry in ClinVar:

NM_005359.6(SMAD4):c.1028C>G (p.Ser343Ter)

Gene: SMAD4 (SMAD family member 4; plus strand). Cytogenetic location: 18q21.2.
Variant type: single nucleotide variant.
Coding change: c.1028C>G on transcript NM_005359.6 (MANE Select); coding-DNA position 1028, C replaced by G.
Protein change: p.Ser343Ter; replaces serine 343 with a stop codon.
Molecular consequence: nonsense.
Genome position (GRCh38, 1-based): chr18:51,065,495, C>G. VCF-style: chr18-51065495-C-G. GRCh37 (hg19) VCF-style: chr18-48591865-C-G.
Other names: short protein forms S343*.
Identifiers: ClinVar variation 822036 (VCV000822036.11), dbSNP rs1599195400, ClinGen allele CA402464239.

ClinVar aggregate classification (germline): Pathogenic. Review status: criteria provided, multiple submitters, no conflicts (2 of 4 stars). 2 submissions from 2 submitters: Pathogenic (2). Last evaluated 2025-10-23.
ClinVar aggregate classification (somatic clinical impact): Tier II - Potential (0 of 4 stars; one submission).

Conditions:
Familial thoracic aortic aneurysm and aortic dissection (TAAD). Also called: Thoracic aortic aneurysms and dissections. Identifiers: Orphanet 91387, MedGen C4707243, MONDO:0019625.
Hereditary cancer-predisposing syndrome. Also called: Hereditary Cancer Syndrome; Neoplastic Syndromes, Hereditary; Hereditary neoplastic syndrome; Tumor predisposition. Identifiers: Orphanet 140162, MedGen C0027672, MeSH D009386, MONDO:0015356.
Juvenile polyposis syndrome (JPS). Identifiers: Orphanet 2929, MedGen C0345893, MONDO:0017380, OMIM 174900.
Colorectal cancer. Also called: Malignant Colorectal Neoplasm; Colorectal cancer, somatic. Identifiers: MedGen C0346629, MONDO:0005575, OMIM 114500.

Submissions (3):

Ambry Genetics
Classification: Pathogenic for Hereditary cancer-predisposing syndrome; Familial thoracic aortic aneurysm and aortic dissection. Last evaluated: 2025-10-23. Review status: criteria provided, single submitter. Criteria: Ambry Variant Classification Scheme 2023. Collection method: clinical testing. Allele origin: germline.
Comment: The p.S343* pathogenic mutation (also known as c.1028C>G), located in coding exon 8 of the SMAD4 gene, results from a C to G substitution at nucleotide position 1028. This changes the amino acid from a serine to a stop codon within coding exon 8. This alteration is expected to result in loss of function by premature protein truncation or nonsense-mediated mRNA decay. As such, this alteration is interpreted as a disease-causing mutation.

Labcorp Genetics (formerly Invitae), Labcorp
Classification: Pathogenic for Juvenile polyposis syndrome. Last evaluated: 2022-06-29. Review status: criteria provided, single submitter. Criteria: Invitae Variant Classification Sherloc (09022015). Collection method: clinical testing. Allele origin: germline.
Comment: For these reasons, this variant has been classified as Pathogenic. ClinVar contains an entry for this variant (Variation ID: 822036). This variant has not been reported in the literature in individuals affected with SMAD4-related conditions. This variant is not present in population databases (gnomAD no frequency). This sequence change creates a premature translational stop signal (p.Ser343*) in the SMAD4 gene. It is expected to result in an absent or disrupted protein product. Loss-of-function variants in SMAD4 are known to be pathogenic (PMID: 16152648, 16436638, 22810475).

Department of Clinical Biochemistry, Naestved Hospital
Classification: Tier II - Potential for Colorectal cancer. Assertion type: prognostic. Clinical significance: better outcome. Last evaluated: 2024-10-10. Review status: no assertion criteria provided. Collection method: research. Allele origin: somatic.

Literature cited by the submitters: PubMed 16152648 (cited by Labcorp Genetics (formerly Invitae), Labcorp); PubMed 16436638 (cited by Labcorp Genetics (formerly Invitae), Labcorp); PubMed 22810475 (cited by Labcorp Genetics (formerly Invitae), Labcorp).